The following is an entry in ClinVar:

ClinVar aggregate classification (germline): Uncertain significance (1 of 4 stars; one submission).

Submission:

Labcorp Genetics (formerly Invitae), Labcorp
Classification: Uncertain significance. Last evaluated: 2022-05-06. Review status: criteria provided, single submitter. Criteria: Invitae Variant Classification Sherloc (09022015). Collection method: clinical testing. Allele origin: germline.
Comment: In summary, the available evidence is currently insufficient to determine the role of this variant in disease. Therefore, it has been classified as a Variant of Uncertain Significance. Algorithms developed to predict the effect of missense changes on protein structure and function are either unavailable or do not agree on the potential impact of this missense change (SIFT: "Deleterious"; PolyPhen-2: "Probably Damaging"; Align-GVGD: "Class C0"). This variant has not been reported in the literature in individuals affected with COL10A1-related conditions. This variant is not present in population databases (gnomAD no frequency). This sequence change replaces leucine, which is neutral and non-polar, with arginine, which is basic and polar, at codon 614 of the COL10A1 protein (p.Leu614Arg).

NM_000493.4(COL10A1):c.1841T>G (p.Leu614Arg)

Genes: COL10A1 (collagen type X alpha 1 chain; minus strand), NT5DC1 (5'-nucleotidase domain containing 1; plus strand). Cytogenetic location: 6q22.1.
Variant type: single nucleotide variant.
Coding change: c.1841T>G on transcript NM_000493.4 (MANE Select); coding-DNA position 1841, T replaced by G.
Protein change: p.Leu614Arg; replaces leucine 614 with arginine.
Molecular consequence: missense variant. On other transcripts: intron variant (1).
Genome position (GRCh38, 1-based): chr6:116,120,275, A>C on the plus strand (T>G on the coding strand, the complement: COL10A1 is on the minus strand). VCF-style: chr6-116120275-A-C. GRCh37 (hg19) VCF-style: chr6-116441438-A-C.
Other names: c.1841T>G, p.Leu614Arg (NM_001424106.1, NM_001424107.1); c.529+2330A>C (NM_152729.3); short protein forms L614R.
Identifiers: ClinVar variation 2134527 (VCV002134527.4), dbSNP rs111033545, ClinGen allele CA365386679.